The following is an entry in ClinVar:

NM_145691.4(ATPAF2):c.566G>A (p.Arg189Gln)

Gene: ATPAF2 (ATP synthase mitochondrial F1 complex assembly factor 2; minus strand). Cytogenetic location: 17p11.2.
Variant type: single nucleotide variant.
Coding change: c.566G>A on transcript NM_145691.4 (MANE Select); coding-DNA position 566, G replaced by A.
Protein change: p.Arg189Gln; replaces arginine 189 with glutamine.
Molecular consequence: missense variant.
Genome position (GRCh38, 1-based): chr17:18,021,795, C>T on the plus strand (G>A on the coding strand, the complement: ATPAF2 is on the minus strand). VCF-style: chr17-18021795-C-T. GRCh37 (hg19) VCF-style: chr17-17925109-C-T.
Other names: p.R189Q:CGG>CAG; short protein forms R189Q.
Identifiers: ClinVar variation 214131 (VCV000214131.8), dbSNP rs780166761, ClinGen allele CA324332.
Genomic context (GRCh38, chr17:18,021,795, plus strand): 5'-CCATACATGCCTTGTAAAGCCCATGTGTTGTAAGATGCCAGGTGGCTGACGAGCACCTCC[C>T]GAGTTTTGGCAGGGATGCTGGGTCCCATTATGCTGGTGGAGGAGCTGATCTCCACGCCGT-3'
Protein context (NP_663729.1, residues 179-199): IMGPSIPAKT[Arg189Gln]EVLVSHLASY

ClinVar aggregate classification (germline): Uncertain significance. Review status: criteria provided, multiple submitters, no conflicts (2 of 4 stars). 2 submissions from 2 submitters: Uncertain significance (2). Last evaluated 2025-12-19.

Allele frequency attached by ClinVar (database versions not stated): ExAC 0.00002; gnomAD exomes 0.00003; TOPMed 0.00006; gnomAD 0.00012 and 0.00014.
gnomAD v4.1: 39 of 1,614,002 alleles (0.0024%); highest among the groups gnomAD compares: Admixed American, 0.048%; no homozygotes.

Submissions (2):

Labcorp Genetics (formerly Invitae), Labcorp
Classification: Uncertain significance. Last evaluated: 2025-12-19. Review status: criteria provided, single submitter. Criteria: Invitae Variant Classification Sherloc (09022015). Collection method: clinical testing. Allele origin: germline.
Comment: This sequence change replaces arginine, which is basic and polar, with glutamine, which is neutral and polar, at codon 189 of the ATPAF2 protein (p.Arg189Gln). The frequency data for this variant in the population databases is considered unreliable, as metrics indicate poor data quality at this position in the gnomAD database. This variant has not been reported in the literature in individuals affected with ATPAF2-related conditions. ClinVar contains an entry for this variant (Variation ID: 214131). Invitae Evidence Modeling of protein sequence and biophysical properties (such as structural, functional, and spatial information, amino acid conservation, physicochemical variation, residue mobility, and thermodynamic stability) indicates that this missense variant is not expected to disrupt ATPAF2 protein function with a negative predictive value of 80%. In summary, the available evidence is currently insufficient to determine the role of this variant in disease. Therefore, it has been classified as a Variant of Uncertain Significance.

GeneDx
Classification: Uncertain significance. Last evaluated: 2021-12-02. Review status: criteria provided, single submitter. Criteria: GeneDx Variant Classification Process June 2021. Collection method: clinical testing. Allele origin: germline. Affected: yes.
Comment: In silico analysis supports that this missense variant does not alter protein structure/function; Has not been previously published as pathogenic or benign to our knowledge